The following is an entry in ClinVar:

ClinVar aggregate classification (germline): Uncertain significance. Review status: criteria provided, multiple submitters, no conflicts (2 of 4 stars). 5 submissions from 5 submitters: Uncertain significance (5). Last evaluated 2025-08-01.

Conditions:
Inborn genetic diseases. Identifiers: MedGen C0950123, MeSH D030342.
Early-onset Parkinson disease 20. Also called: PARKINSON DISEASE 20, AUTOSOMAL RECESSIVE EARLY-ONSET. Identifiers: Orphanet 391411, MedGen C3809824, MONDO:0014233, OMIM 615530.
Developmental and epileptic encephalopathy, 53. Also called: Epileptic encephalopathy, early infantile, 53. Identifiers: MedGen C4479313, MONDO:0033362, OMIM 617389.

Allele frequency attached by ClinVar (database versions not stated): ExAC 0.00004; gnomAD exomes 0.00008 and 0.00020; gnomAD 0.00012 and 0.00013; TOPMed 0.00012; ESP Exome Variant Server 0.00023.
gnomAD v4.1: 331 of 1,613,996 alleles (0.021%); highest among the groups gnomAD compares: Non-Finnish European, 0.025%; no homozygotes.

Submissions (5):

CeGaT Center for Human Genetics Tuebingen
Classification: Uncertain significance. Last evaluated: 2025-08-01. Review status: criteria provided, single submitter. Criteria: CeGaT Center For Human Genetics Tuebingen Variant Classification Criteria Version 2. Collection method: clinical testing. Allele origin: germline. Affected: yes. Observed: 1 variant allele.
Comment: SYNJ1: PM2

GeneDx
Classification: Uncertain significance. Last evaluated: 2025-04-08. Review status: criteria provided, single submitter. Criteria: GeneDx Variant Classification Process June 2021. Collection method: clinical testing. Allele origin: germline. Affected: yes.
Comment: In silico analysis supports that this missense variant has a deleterious effect on protein structure/function; Has not been previously published as pathogenic or benign to our knowledge

Athena Diagnostics
Classification: Uncertain significance. Last evaluated: 2025-02-28. Review status: criteria provided, single submitter. Criteria: Athena Diagnostics Criteria. Collection method: clinical testing. Allele origin: unknown.
Comment: Available data are insufficient to determine the clinical significance of the variant at this time. The frequency of this variant in the general population is uninformative in assessment of its pathogenicity. Polyphen and MutationTaster predict this amino acid change may be benign.

Labcorp Genetics (formerly Invitae), Labcorp
Classification: Uncertain significance for Developmental and epileptic encephalopathy, 53; Early-onset Parkinson disease 20. Last evaluated: 2022-08-16. Review status: criteria provided, single submitter. Criteria: Invitae Variant Classification Sherloc (09022015). Collection method: clinical testing. Allele origin: germline.
Comment: This sequence change replaces proline, which is neutral and non-polar, with leucine, which is neutral and non-polar, at codon 1295 of the SYNJ1 protein (p.Pro1295Leu). This variant is present in population databases (rs147025577, gnomAD 0.01%). This variant has not been reported in the literature in individuals affected with SYNJ1-related conditions. ClinVar contains an entry for this variant (Variation ID: 571046). Algorithms developed to predict the effect of missense changes on protein structure and function are either unavailable or do not agree on the potential impact of this missense change (SIFT: "Deleterious"; PolyPhen-2: "Possibly Damaging"; Align-GVGD: "Class C0"). In summary, the available evidence is currently insufficient to determine the role of this variant in disease. Therefore, it has been classified as a Variant of Uncertain Significance.

Ambry Genetics
Classification: Uncertain significance for Inborn genetic diseases. Last evaluated: 2021-05-03. Review status: criteria provided, single submitter. Criteria: Ambry Variant Classification Scheme 2023. Collection method: clinical testing. Allele origin: germline.

Literature cited by the submitters: PubMed 39455605 (cited by Athena Diagnostics); PubMed 31440721 (cited by Athena Diagnostics).

NM_203446.3(SYNJ1):c.3767C>T (p.Pro1256Leu)

Gene: SYNJ1 (synaptojanin 1; minus strand). Cytogenetic location: 21q22.11.
Variant type: single nucleotide variant.
Coding change: c.3767C>T on transcript NM_203446.3 (MANE Select); coding-DNA position 3767, C replaced by T.
Protein change: p.Pro1256Leu; replaces proline 1256 with leucine.
Molecular consequence: missense variant.
Genome position (GRCh38, 1-based): chr21:32,639,056, G>A on the plus strand (C>T on the coding strand, the complement: SYNJ1 is on the minus strand). VCF-style: chr21-32639056-G-A. GRCh37 (hg19) VCF-style: chr21-34011366-G-A.
Other names: c.3719C>T, p.Pro1240Leu (NM_001160302.2); c.3626C>T, p.Pro1209Leu (NM_001160306.2); c.3884C>T, p.Pro1295Leu (NM_003895.4); short protein forms P1295L, P1209L, P1240L, P1256L.
Identifiers: ClinVar variation 571046 (VCV000571046.17), dbSNP rs147025577, ClinGen allele CA10003252.